The following is an entry in ClinVar:

NM_000038.6(APC):c.466G>T (p.Asp156Tyr)

Gene: APC (APC regulator of Wnt signaling pathway; plus strand). Cytogenetic location: 5q22.2.
Variant type: single nucleotide variant.
Coding change: c.466G>T on transcript NM_000038.6 (MANE Select); coding-DNA position 466, G replaced by T.
Protein change: p.Asp156Tyr; replaces aspartic acid 156 with tyrosine.
Molecular consequence: missense variant. On other transcripts: 5 prime UTR variant (1).
Genome position (GRCh38, 1-based): chr5:112,775,672, G>T. VCF-style: chr5-112775672-G-T. GRCh37 (hg19) VCF-style: chr5-112111369-G-T.
Other names: c.466G>T, p.Asp156Tyr (NM_001127510.3, NM_001354895.2, NM_001354896.2 and 2 more transcripts); c.496G>T, p.Asp166Tyr (NM_001127511.3, NM_001354897.2, NM_001354902.2); c.391G>T, p.Asp131Tyr (NM_001354898.2, NM_001354904.2); c.289G>T, p.Asp97Tyr (NM_001354900.2, NM_001354901.2, NM_001354905.2); c.-570G>T (NM_001354906.2); short protein forms D166Y, D97Y, D131Y, D156Y.
Identifiers: ClinVar variation 652019 (VCV000652019.13), dbSNP rs1554071538, ClinGen allele CA16022341.

ClinVar aggregate classification (germline): Uncertain significance. Review status: criteria provided, multiple submitters, no conflicts (2 of 4 stars). 4 submissions from 4 submitters: Uncertain significance (4). Last evaluated 2026-02-01.

Conditions:
Hereditary cancer-predisposing syndrome. Also called: Neoplastic Syndromes, Hereditary; Tumor predisposition; Hereditary Cancer Syndrome; Hereditary neoplastic syndrome. Identifiers: Orphanet 140162, MedGen C0027672, MeSH D009386, MONDO:0015356.
Familial adenomatous polyposis 1 (FAP1). Also called: POLYPOSIS, ADENOMATOUS INTESTINAL; FAMILIAL ADENOMATOUS POLYPOSIS 1, ATTENUATED. Identifiers: MedGen C2713442, MONDO:0021056, OMIM 175100. Disease mechanism: loss of function.

Allele frequency attached by ClinVar (database versions not stated): TOPMed below 0.00001.

Submissions (4):

Labcorp Genetics (formerly Invitae), Labcorp
Classification: Uncertain significance for Familial adenomatous polyposis 1. Last evaluated: 2026-02-01. Review status: criteria provided, single submitter. Criteria: Invitae Variant Classification Sherloc (09022015). Collection method: clinical testing. Allele origin: germline.
Comment: This sequence change replaces aspartic acid, which is acidic and polar, with tyrosine, which is neutral and polar, at codon 156 of the APC protein (p.Asp156Tyr). This variant is not present in population databases (gnomAD no frequency). This variant has not been reported in the literature in individuals affected with APC-related conditions. ClinVar contains an entry for this variant (Variation ID: 652019). Invitae Evidence Modeling of protein sequence and biophysical properties (such as structural, functional, and spatial information, amino acid conservation, physicochemical variation, residue mobility, and thermodynamic stability) indicates that this missense variant is not expected to disrupt APC protein function with a negative predictive value of 95%. In summary, the available evidence is currently insufficient to determine the role of this variant in disease. Therefore, it has been classified as a Variant of Uncertain Significance.

Color Diagnostics, LLC DBA Color Health
Classification: Uncertain significance for Hereditary cancer-predisposing syndrome. Last evaluated: 2025-09-23. Review status: criteria provided, single submitter. Criteria: ACMG Guidelines, 2015. Collection method: clinical testing. Allele origin: germline.
Comment: This missense variant replaces aspartic acid with tyrosine at codon 156 of the APC protein. Computational prediction suggests that this variant may not impact protein structure and function. APC is defined as a gene for which primarily truncating variants are known to cause disease (ClinGen HCCP VCEP). To our knowledge, functional studies have not been reported for this variant. This variant has not been reported in individuals affected with APC-related disorders in the literature. This variant has not been identified in the general population by the Genome Aggregation Database (gnomAD). The available evidence is insufficient to determine the role of this variant in disease conclusively. Therefore, this variant is classified as a Variant of Uncertain Significance.

Ambry Genetics
Classification: Uncertain significance for Hereditary cancer-predisposing syndrome. Last evaluated: 2023-08-08. Review status: criteria provided, single submitter. Criteria: Ambry Variant Classification Scheme 2023. Collection method: clinical testing. Allele origin: germline.
Comment: The p.D156Y variant (also known as c.466G>T), located in coding exon 4 of the APC gene, results from a G to T substitution at nucleotide position 466. The aspartic acid at codon 156 is replaced by tyrosine, an amino acid with highly dissimilar properties. This amino acid position is highly conserved in available vertebrate species. In addition, in silico predictors for this gene do not accurately predict pathogenicity. Since supporting evidence is limited at this time, the clinical significance of this alteration remains unclear.

GeneDx
Classification: Uncertain significance. Last evaluated: 2023-07-10. Review status: criteria provided, single submitter. Criteria: GeneDx Variant Classification Process June 2021. Collection method: clinical testing. Allele origin: germline. Affected: yes.
Comment: Not observed at significant frequency in large population cohorts (gnomAD); In silico analysis supports that this missense variant does not alter protein structure/function; Has not been previously published as pathogenic or benign to our knowledge